The following is an entry in ClinVar:

ClinVar aggregate classification (germline): Conflicting classifications of pathogenicity. Review status: criteria provided, conflicting classifications (1 of 4 stars). 6 submissions from 6 submitters: Uncertain significance (5); Likely benign (1). Last evaluated 2026-01-24.

Conditions:
Gastrointestinal defects and immunodeficiency syndrome 1 (GIDID1). Also called: Combined immunodeficiency-enteropathy spectrum. Identifiers: Orphanet 436252, MedGen C5968858, MONDO:0800030, OMIM 243150.
Multiple gastrointestinal atresias. Also called: Multiple intestinal atresia; FAMILIAL INTESTINAL POLYATRESIA SYNDROME. Identifiers: Orphanet 2300, MedGen C0220744, MONDO:0009465.

Allele frequency attached by ClinVar (database versions not stated): ExAC 0.00023; gnomAD exomes 0.00025; gnomAD 0.00052 and 0.00055; TOPMed 0.00063; ESP Exome Variant Server 0.00085.
gnomAD v4.1: 256 of 1,613,902 alleles (0.016%); highest among the groups gnomAD compares: African/African-American, 0.17%; no homozygotes.

Submissions (6):

Labcorp Genetics (formerly Invitae), Labcorp
Classification: Likely benign for Multiple gastrointestinal atresias. Last evaluated: 2026-01-24. Review status: criteria provided, single submitter. Criteria: Invitae Variant Classification Sherloc (09022015). Collection method: clinical testing. Allele origin: germline.

Women's Health and Genetics/Laboratory Corporation of America, LabCorp
Classification: Uncertain significance. Last evaluated: 2025-03-03. Review status: criteria provided, single submitter. Criteria: LabCorp Variant Classification Summary - May 2015. Collection method: clinical testing. Allele origin: germline.
Comment: Variant summary: TTC7A c.974G>A (p.Arg325Gln) results in a conservative amino acid change located in the Tetratricopeptide repeat protein 7, N-terminal domain (IPR045819) of the encoded protein sequence. Three of five in-silico tools predict a damaging effect of the variant on protein function. The variant allele was found at a frequency of 0.00025 in 251184 control chromosomes. This frequency is not significantly higher than estimated for a pathogenic variant in TTC7A causing Severe Combined Immunodeficiency (0.00025 vs 0.00035), allowing no conclusion about variant significance. However, the frequency in the African subpopulation (0.0018) is much higher than estimated from disease prevalence. c.974G>A has been reported in the literature as a homozygous genotype in at least two affected individuals with features of Primary Immunodeficiency who underwent a comprehensive NGS panel based diagnostic workup (example, Fusaro_2021, El-Daher_2019). One of these patients presented with recurrent lymphoproliferative syndrome and pan-hypergammaglobulinemia associated with chronic intestinal pseudo obstruction (CIPO) (El-Daher_2019). These data indicate that the variant is likely to be associated with disease. Several publications report experimental evidence evaluating an impact on protein function. One study reports the mutant protein was unstable in B and T lymphoblasts leading to partial degradation, unable to stabilize subunits like EFR3 leading to low levels of EFR3 in B-cells and affected the ability of the mutant protein to regulate DNA accessibility, DNA stability and chromatin condensation (El-Daher_2019), with another study showing lymphocytes carrying the variant resulted in altered migration capabilities in vitro (e.g. Gajardo_2023). The following publications have been ascertained in the context of this evaluation (PMID: 31787977, 32531373, 37390900). ClinVar contains an entry for this variant (Variation ID: 528464). Based on the evidence outlined above, the variant was classified as VUS-likely pathogenic.

Blueprint Genetics
Classification: Uncertain significance. Last evaluated: 2024-10-15. Review status: criteria provided, single submitter. Criteria: ACMG Guidelines, 2015. Collection method: clinical testing. Allele origin: germline.

Illumina Laboratory Services, Illumina
Classification: Uncertain significance for Gastrointestinal defects and immunodeficiency syndrome 1. Last evaluated: 2023-05-15. Review status: criteria provided, single submitter. Criteria: ICSLVariantClassificationCriteria RUGD 01 April 2020. Collection method: clinical testing. Allele origin: unknown.
Comment: The TTC7A c.974G>A (p.Arg325Gln) missense variant has been reported in a homozygous state in two individuals with features of gastrointestinal defects and immunodeficiency syndrome in the medical literature (PMID: 31787977; 32531373). The highest frequency of this allele in the Genome Aggregation Database is 0.001498 in the African/African American population (version 3.1.2). Functional studies conducted in patient cells demonstrate that this variant results in reduced protein expression and function (PMID: 31787977). Based on the available evidence, the c.974G>A (p.Arg325Gln) variant is classified as a variant of uncertain significance for gastrointestinal defects and immunodeficiency syndrome.

Greenwood Genetic Center Diagnostic Laboratories, Greenwood Genetic Center
Classification: Uncertain significance. Last evaluated: 2022-09-21. Review status: criteria provided, single submitter. Criteria: ACMG Guidelines, 2015. Collection method: clinical testing. Allele origin: germline. Affected: yes.
Comment: PS3, PM3, BS1

Fulgent Genetics
Classification: Uncertain significance for Gastrointestinal defects and immunodeficiency syndrome 1. Last evaluated: 2022-01-28. Review status: criteria provided, single submitter. Criteria: ACMG Guidelines, 2015. Collection method: clinical testing. Allele origin: unknown.

Literature cited by the submitters: PubMed 31787977 (cited by Women's Health and Genetics/Laboratory Corporation of America, LabCorp); PubMed 32531373 (cited by Women's Health and Genetics/Laboratory Corporation of America, LabCorp); PubMed 37390900 (cited by Women's Health and Genetics/Laboratory Corporation of America, LabCorp).

NM_020458.4(TTC7A):c.974G>A (p.Arg325Gln)

Gene: TTC7A (tetratricopeptide repeat domain 7A; plus strand). Cytogenetic location: 2p21.
Variant type: single nucleotide variant.
Coding change: c.974G>A on transcript NM_020458.4 (MANE Select); coding-DNA position 974, G replaced by A.
Protein change: p.Arg325Gln; replaces arginine 325 with glutamine.
Molecular consequence: missense variant. On other transcripts: intron variant (1).
Genome position (GRCh38, 1-based): chr2:46,994,487, G>A. VCF-style: chr2-46994487-G-A. GRCh37 (hg19) VCF-style: chr2-47221626-G-A.
Other names: c.974G>A, p.Arg325Gln (LRG_1323t1, NM_001288951.2); c.974G>A (NM_001288951.1); c.872G>A, p.Arg291Gln (NM_001288953.2); c.-61-649G>A (NM_001288955.2); short protein forms R325Q, R291Q.
Identifiers: ClinVar variation 528464 (VCV000528464.17), dbSNP rs144971707, ClinGen allele CA1647421.
Genomic context (GRCh38, chr2:46,994,487, plus strand): 5'-CCCACCCTCTGCCTGAGTTCATGGGCAAGGAGGAGAGTTCTTTCGCCACTCAGGCCCTGC[G>A]GAAACCTCACCTCTATGAAGGAGACAAGTAAGTTCTGCCTGCCCTGCTGCACCTTGCCAG-3'
Protein context (NP_065191.2, residues 315-335): EESSFATQAL[Arg325Gln]KPHLYEGDNL